The following is an entry in ClinVar:

NM_006258.4(PRKG1):c.312-12C>G

Gene: PRKG1 (protein kinase cGMP-dependent 1; plus strand). Cytogenetic location: 10q21.1.
Variant type: single nucleotide variant.
Coding change: c.312-12C>G on transcript NM_006258.4 (MANE Select); 12 bases into the intron before coding-DNA position 312, C replaced by G.
Molecular consequence: intron variant.
Genome position (GRCh38, 1-based): chr10:51,153,152, C>G. VCF-style: chr10-51153152-C-G. GRCh37 (hg19) VCF-style: chr10-52912912-C-G.
Other names: c.267-12C>G (NM_001098512.3, LRG_1135t2); c.312-12C>G (LRG_1135t1).
Identifiers: ClinVar variation 506592 (VCV000506592.10), dbSNP rs371409852, ClinGen allele CA5503110.

ClinVar aggregate classification (germline): Benign/Likely benign. Review status: criteria provided, multiple submitters, no conflicts (2 of 4 stars). 3 submissions from 3 submitters: Benign (2); Likely benign (1). Last evaluated 2026-01-18.

Conditions:
Aortic aneurysm, familial thoracic 8 (AAT8). Identifiers: MedGen C3809513, MONDO:0014187, OMIM 615436.

Allele frequency attached by ClinVar (database versions not stated): gnomAD exomes 0.00007 and 0.00016; ExAC 0.00021; 1000 Genomes Project 0.00040; ESP Exome Variant Server 0.00046; 1000 Genomes Project 30x 0.00047; gnomAD 0.00081 and 0.00086; TOPMed 0.00088.
gnomAD v4.1: 220 of 1,607,958 alleles (0.014%); highest among the groups gnomAD compares: African/African-American, 0.27%; no homozygotes.

Submissions (3):

Labcorp Genetics (formerly Invitae), Labcorp
Classification: Benign for Aortic aneurysm, familial thoracic 8. Last evaluated: 2026-01-18. Review status: criteria provided, single submitter. Criteria: Invitae Variant Classification Sherloc (09022015). Collection method: clinical testing. Allele origin: germline.

Women's Health and Genetics/Laboratory Corporation of America, LabCorp
Classification: Benign. Last evaluated: 2023-11-13. Review status: criteria provided, single submitter. Criteria: LabCorp Variant Classification Summary - May 2015. Collection method: clinical testing. Allele origin: germline.

GeneDx
Classification: Likely benign. Last evaluated: 2017-10-20. Review status: criteria provided, single submitter. Criteria: GeneDx Variant Classification (06012015). Collection method: clinical testing. Allele origin: germline. Affected: yes.
Comment: This variant is considered likely benign or benign based on one or more of the following criteria: it is a conservative change, it occurs at a poorly conserved position in the protein, it is predicted to be benign by multiple in silico algorithms, and/or has population frequency not consistent with disease.